The following is an entry in ClinVar:

ClinVar aggregate classification (germline): Uncertain significance. Review status: criteria provided, multiple submitters, no conflicts (2 of 4 stars). 2 submissions from 2 submitters: Uncertain significance (2). Last evaluated 2025-01-14.

Conditions:
EGFR-related lung cancer (EGFR). Identifiers: MedGen CN130014.
Hereditary cancer-predisposing syndrome. Also called: Hereditary Cancer Syndrome; Hereditary neoplastic syndrome; Neoplastic Syndromes, Hereditary; Tumor predisposition. Identifiers: Orphanet 140162, MedGen C0027672, MeSH D009386, MONDO:0015356.

Allele frequency attached by ClinVar (database versions not stated): gnomAD exomes below 0.00001; TOPMed below 0.00001; ExAC 0.00001.
gnomAD v4.1: 2 of 1,612,938 alleles (0.00012%); highest among the groups gnomAD compares: Non-Finnish European, 0.00017%; no homozygotes.

Submissions (2):

Ambry Genetics
Classification: Uncertain significance for Hereditary cancer-predisposing syndrome. Last evaluated: 2025-01-14. Review status: criteria provided, single submitter. Criteria: Ambry Variant Classification Scheme 2023. Collection method: clinical testing. Allele origin: germline.
Comment: The p.T1032A variant (also known as c.3094A>G), located in coding exon 25 of the EGFR gene, results from an A to G substitution at nucleotide position 3094. The threonine at codon 1032 is replaced by alanine, an amino acid with similar properties. This amino acid position is highly conserved in available vertebrate species. In addition, the in silico prediction for this alteration is inconclusive. Based on the available evidence, the clinical significance of this variant remains unclear.

Labcorp Genetics (formerly Invitae), Labcorp
Classification: Uncertain significance for EGFR-related lung cancer. Last evaluated: 2024-12-26. Review status: criteria provided, single submitter. Criteria: Invitae Variant Classification Sherloc (09022015). Collection method: clinical testing. Allele origin: germline.
Comment: This sequence change replaces threonine, which is neutral and polar, with alanine, which is neutral and non-polar, at codon 1032 of the EGFR protein (p.Thr1032Ala). This variant is present in population databases (rs775415330, gnomAD 0.0009%). This variant has not been reported in the literature in individuals affected with EGFR-related conditions. ClinVar contains an entry for this variant (Variation ID: 1062980). An algorithm developed to predict the effect of missense changes on protein structure and function (PolyPhen-2) suggests that this variant is likely to be disruptive. In summary, the available evidence is currently insufficient to determine the role of this variant in disease. Therefore, it has been classified as a Variant of Uncertain Significance.

NM_005228.5(EGFR):c.3094A>G (p.Thr1032Ala)

Gene: EGFR (epidermal growth factor receptor; plus strand). Cytogenetic location: 7p11.2.
Variant type: single nucleotide variant.
Coding change: c.3094A>G on transcript NM_005228.5 (MANE Select); coding-DNA position 3094, A replaced by G.
Protein change: p.Thr1032Ala; replaces threonine 1032 with alanine.
Molecular consequence: missense variant.
Genome position (GRCh38, 1-based): chr7:55,201,335, A>G. VCF-style: chr7-55201335-A-G. GRCh37 (hg19) VCF-style: chr7-55269028-A-G.
Other names: c.2959A>G, p.Thr987Ala (NM_001346897.2, NM_001346899.2); c.3094A>G, p.Thr1032Ala (NM_001346898.2); c.2935A>G, p.Thr979Ala (NM_001346900.2); c.2293A>G, p.Thr765Ala (NM_001346941.2); c.3094A>G (NM_005228.3); short protein forms T1032A, T765A, T979A, T987A.
Identifiers: ClinVar variation 1062980 (VCV001062980.9), dbSNP rs775415330, ClinGen allele CA4266256.